The following is an entry in ClinVar:

NM_000169.3(GLA):c.974G>A (p.Gly325Asp)

Genes: GLA (galactosidase alpha; minus strand), RPL36A-HNRNPH2 (RPL36A-HNRNPH2 readthrough; plus strand). Cytogenetic location: Xq22.1.
Variant type: single nucleotide variant.
Coding change: c.974G>A on transcript NM_000169.3 (MANE Select); coding-DNA position 974, G replaced by A.
Protein change: p.Gly325Asp; replaces glycine 325 with aspartic acid.
Molecular consequence: missense variant. On other transcripts: non-coding transcript variant (3), intron variant (2).
Genome position (GRCh38, 1-based): chrX:101,398,395, C>T on the plus strand (G>A on the coding strand, the complement: GLA is on the minus strand). VCF-style: chrX-101398395-C-T. GRCh37 (hg19) VCF-style: chrX-100653383-C-T.
Other names: p.G325D:GGC>GAC; c.1097G>A, p.Gly366Asp (NM_001406747.1); c.974G>A, p.Gly325Asp (NM_001406748.1); c.300+2938C>T (NM_001199973.2); c.177+6573C>T (NM_001199974.2); short protein forms G366D.
Identifiers: ClinVar variation 92574 (VCV000092574.22), dbSNP rs398123228, ClinGen allele CA022237.

ClinVar aggregate classification (germline): Pathogenic/Likely pathogenic. Review status: criteria provided, multiple submitters, no conflicts (2 of 4 stars). 7 submissions from 7 submitters: Pathogenic (6); Likely pathogenic (1). Last evaluated 2026-09-08.

Conditions:
Fabry disease. Also called: Ceramide trihexosidosis; Fabry's disease; HEREDITARY DYSTOPIC LIPIDOSIS; Angiokeratoma corporis diffusum; ALPHA-GALACTOSIDASE A DEFICIENCY; ANDERSON-FABRY DISEASE. Identifiers: Orphanet 324, MedGen C0002986, MONDO:0010526, OMIM 301500, HP:0001071. Disease mechanism: Fabry disease is due to inactivating mutations in the X-linked GLA gene resulting in deficiency of the enzyme Alpha Galactosidase-A., loss of function.

Submissions (7):

Genomenon, Inc
Classification: Pathogenic for Fabry disease. Last evaluated: 2026-09-08. Review status: criteria provided, single submitter. Criteria: Genomenon Sequence Variant Interpretation Standards - Updated. Collection method: curation. Allele origin: germline. Affected: yes.
Comment: GLA p.Gly325Asp (c.974G>A) is a missense variant that changes the amino acid at codon 325 from Glycine to Aspartic acid. This variant has been observed in at least one proband with clinical features consistent with Fabry disease (PMID:37626912;16148726;15713906;34906154). The variant was found to segregate with disease in at least one affected family (PMID:34906154). At least one functional study has demonstrated a substantial alteration in protein function relative to the wild-type (PMID:21598360;27657681). It is absent or not present at a significant frequency in gnomAD. In silico models predict that this variant is possibly or probably damaging. In conclusion, we classify GLA p.Gly325Asp (c.974G>A) as a pathogenic variant.

Precision Medicine Center, Zhengzhou University
Classification: Likely pathogenic for Fabry disease. Last evaluated: 2023-12-01. Review status: criteria provided, single submitter. Criteria: ACMG Guidelines, 2015. Collection method: clinical testing. Allele origin: maternal. Affected: yes.
Comment: PM2_p,PP3_strong,PP4

Genome-Nilou Lab
Classification: Pathogenic for Fabry disease. Last evaluated: 2021-07-15. Review status: criteria provided, single submitter. Criteria: ACMG Guidelines, 2015. Collection method: clinical testing. Allele origin: germline. Affected: no.

Revvity Omics, Revvity
Classification: Pathogenic. Last evaluated: 2019-12-10. Review status: criteria provided, single submitter. Criteria: ACMG Guidelines, 2015. Collection method: clinical testing. Allele origin: germline.

Labcorp Genetics (formerly Invitae), Labcorp
Classification: Pathogenic for Fabry disease. Last evaluated: 2017-05-21. Review status: criteria provided, single submitter. Criteria: Invitae Variant Classification Sherloc (09022015). Collection method: clinical testing. Allele origin: germline.
Comment: For these reasons, this variant has been classified as Pathogenic. Experimental studies have shown that this missense greatly reduces GLA enzymatic activity (PMID: 15713906, 19387866 , 21598360). This variant has been reported in individuals affected with Fabry disease (PMID: 15713906, 15776423, Invitae). ClinVar contains an entry for this variant (Variation ID: 92574) This variant is not present in population databases (rs398123228, ExAC no frequency). This sequence change replaces glycine with aspartic acid at codon 325 of the GLA protein (p.Gly325Asp). The glycine residue is highly conserved and there is a moderate physicochemical difference between glycine and aspartic acid.

Eurofins Ntd Llc (ga)
Classification: Pathogenic. Last evaluated: 2013-02-08. Review status: criteria provided, single submitter. Criteria: EGL Classification Definitions 2015. Collection method: clinical testing. Allele origin: germline.

GeneDx
Classification: Pathogenic. Last evaluated: 2012-11-28. Review status: criteria provided, single submitter. Criteria: GeneDx Variant Classification (06012015). Collection method: clinical testing. Allele origin: germline. Affected: yes.
Comment: The Gly325Asp mutation in the GLA gene has been reported in association with Fabry disease (Schafer E et al., 2005; Wu X et al., 2011). Mutations affecting nearby residues (Asp322Gly, Gln327Glu, Gln327Lys) have also been reported in association with Fabry disease, further supporting the functional importance of this region of the protein. Furthermore, the NHLBI ESP Exome Variant Server reports Gly325Asp was not observed in approximately 6,500 samples from individuals of European and African American backgrounds, indicating it is not a common benign variant in these populations.In summary, Gly325Asp in the GLA gene is interpreted as a disease-causing mutation. The variant is found in HCM panel(s).

Literature cited by the submitters: PubMed 37626912 (cited by Genomenon, Inc); PubMed 16148726 (cited by Genomenon, Inc); PubMed 15713906 (cited by Genomenon, Inc and Labcorp Genetics (formerly Invitae), Labcorp); PubMed 34906154 (cited by Genomenon, Inc); PubMed 21598360 (cited by Genomenon, Inc and Labcorp Genetics (formerly Invitae), Labcorp); PubMed 27657681 (cited by Genomenon, Inc); PubMed 15776423 (cited by Precision Medicine Center, Zhengzhou University and Labcorp Genetics (formerly Invitae), Labcorp); PubMed 19387866 (cited by Labcorp Genetics (formerly Invitae), Labcorp).